The following is an entry in ClinVar:

ClinVar aggregate classification (germline): Uncertain significance. Review status: criteria provided, multiple submitters, no conflicts (2 of 4 stars). 3 submissions from 3 submitters: Uncertain significance (3). Last evaluated 2024-10-30.

Conditions:
Glycine encephalopathy. Also called: Non-ketotic hyperglycinemia; Nonketotic hyperglycinemia. Identifiers: Orphanet 407, MedGen C0751748, MONDO:0011612, HP:0008288.

Allele frequency attached by ClinVar (database versions not stated): ExAC 0.00003; gnomAD exomes 0.00004; gnomAD 0.00005 and 0.00006; ESP Exome Variant Server 0.00015.
gnomAD v4.1: 44 of 1,613,614 alleles (0.0027%); highest among the groups gnomAD compares: African/African-American, 0.0093%; no homozygotes.

Submissions (3):

GeneDx
Classification: Uncertain significance. Last evaluated: 2024-10-30. Review status: criteria provided, single submitter. Criteria: GeneDx Variant Classification Process June 2021. Collection method: clinical testing. Allele origin: germline. Affected: yes.
Comment: Not observed at significant frequency in large population cohorts (gnomAD); In silico analysis supports that this missense variant has a deleterious effect on protein structure/function; Has not been previously published as pathogenic or benign to our knowledge

Labcorp Genetics (formerly Invitae), Labcorp
Classification: Uncertain significance for Glycine encephalopathy. Last evaluated: 2022-10-20. Review status: criteria provided, single submitter. Criteria: Invitae Variant Classification Sherloc (09022015). Collection method: clinical testing. Allele origin: germline.
Comment: This sequence change replaces arginine, which is basic and polar, with histidine, which is basic and polar, at codon 937 of the GLDC protein (p.Arg937His). This variant is present in population databases (rs151100082, gnomAD 0.005%). This variant has not been reported in the literature in individuals affected with GLDC-related conditions. ClinVar contains an entry for this variant (Variation ID: 1313485). Advanced modeling of protein sequence and biophysical properties (such as structural, functional, and spatial information, amino acid conservation, physicochemical variation, residue mobility, and thermodynamic stability) performed at Invitae indicates that this missense variant is not expected to disrupt GLDC protein function. In summary, the available evidence is currently insufficient to determine the role of this variant in disease. Therefore, it has been classified as a Variant of Uncertain Significance.

Blueprint Genetics
Classification: Uncertain significance. Last evaluated: 2020-10-09. Review status: criteria provided, single submitter. Criteria: ACMG Guidelines, 2015. Collection method: clinical testing. Allele origin: germline.

NM_000170.3(GLDC):c.2810G>A (p.Arg937His)

Gene: GLDC (glycine decarboxylase; minus strand). Cytogenetic location: 9p24.1.
Variant type: single nucleotide variant.
Coding change: c.2810G>A on transcript NM_000170.3 (MANE Select); coding-DNA position 2810, G replaced by A.
Protein change: p.Arg937His; replaces arginine 937 with histidine.
Molecular consequence: missense variant.
Genome position (GRCh38, 1-based): chr9:6,536,092, C>T on the plus strand (G>A on the coding strand, the complement: GLDC is on the minus strand). VCF-style: chr9-6536092-C-T. GRCh37 (hg19) VCF-style: chr9-6536092-C-T.
Other names: short protein forms R937H.
Identifiers: ClinVar variation 1313485 (VCV001313485.6), dbSNP rs151100082, ClinGen allele CA4980067.